The following is an entry in ClinVar:

ClinVar aggregate classification (germline): Likely benign (0 of 4 stars; one submission).

Conditions:
CRYBB3-related disorder. Also called: CRYBB3-related condition.

Allele frequency attached by ClinVar (database versions not stated): gnomAD exomes below 0.00001; ExAC 0.00001; gnomAD 0.00001; 1000 Genomes Project 30x 0.00016; 1000 Genomes Project 0.00020.
gnomAD v4.1: 2 of 1,614,212 alleles (0.00012%); highest among the groups gnomAD compares: Admixed American, 0.0017%; no homozygotes.

Submission:

PreventionGenetics, part of Exact Sciences
Classification: Likely benign for CRYBB3-related condition. Last evaluated: 2019-03-12. Review status: no assertion criteria provided. Collection method: clinical testing. Allele origin: germline.
Comment: This variant is classified as likely benign based on ACMG/AMP sequence variant interpretation guidelines (Richards et al. 2015 PMID: 25741868, with internal and published modifications).

NM_004076.5(CRYBB3):c.234G>A (p.Gln78=)

Gene: CRYBB3 (crystallin beta B3; plus strand). Cytogenetic location: 22q11.23.
Variant type: single nucleotide variant.
Coding change: c.234G>A on transcript NM_004076.5 (MANE Select); coding-DNA position 234, G replaced by A.
Protein change: p.Gln78=; no amino-acid change (glutamine 78 retained).
Molecular consequence: synonymous variant.
Genome position (GRCh38, 1-based): chr22:25,203,802, G>A. VCF-style: chr22-25203802-G-A. GRCh37 (hg19) VCF-style: chr22-25599769-G-A.
Identifiers: ClinVar variation 3046411 (VCV003046411.2), dbSNP rs201028562, ClinGen allele CA10157719.